The following is an entry in ClinVar:

ClinVar aggregate classification (germline): Pathogenic (1 of 4 stars; one submission).

Conditions:
Telangiectasia, hereditary hemorrhagic, type 2 (HHT2). Also called: Telangiectasia, hereditary hemorrhagic, type II; ACVRL1-Related Hereditary Hemorrhagic Telangiectasia. Identifiers: Orphanet 774, MedGen C1838163, MONDO:0010880, OMIM 600376. Disease mechanism: loss of function.

Submission:

Labcorp Genetics (formerly Invitae), Labcorp
Classification: Pathogenic for Telangiectasia, hereditary hemorrhagic, type 2. Last evaluated: 2024-11-24. Review status: criteria provided, single submitter. Criteria: Invitae Variant Classification Sherloc (09022015). Collection method: clinical testing. Allele origin: germline.
Comment: This sequence change replaces aspartic acid, which is acidic and polar, with histidine, which is basic and polar, at codon 348 of the ACVRL1 protein (p.Asp348His). This variant is not present in population databases (gnomAD no frequency). This missense change has been observed in individual(s) with clinical features of hereditary hemorrhagic telangiectasia (internal data). ClinVar contains an entry for this variant (Variation ID: 2817915). Invitae Evidence Modeling of protein sequence and biophysical properties (such as structural, functional, and spatial information, amino acid conservation, physicochemical variation, residue mobility, and thermodynamic stability) indicates that this missense variant is expected to disrupt ACVRL1 protein function with a positive predictive value of 95%. This variant disrupts the p.Asp348 amino acid residue in ACVRL1. Other variant(s) that disrupt this residue have been determined to be pathogenic (PMID: 31400083; internal data). This suggests that this residue is clinically significant, and that variants that disrupt this residue are likely to be disease-causing. For these reasons, this variant has been classified as Pathogenic.

Literature cited by the submitters: PubMed 31400083.

NM_000020.3(ACVRL1):c.1042G>C (p.Asp348His)

Gene: ACVRL1 (activin A receptor like type 1; plus strand). Cytogenetic location: 12q13.13.
Variant type: single nucleotide variant.
Coding change: c.1042G>C on transcript NM_000020.3 (MANE Select); coding-DNA position 1042, G replaced by C.
Protein change: p.Asp348His; replaces aspartic acid 348 with histidine.
Molecular consequence: missense variant.
Genome position (GRCh38, 1-based): chr12:51,915,494, G>C. VCF-style: chr12-51915494-G-C. GRCh37 (hg19) VCF-style: chr12-52309278-G-C.
Other names: c.1042G>C, p.Asp348His (NM_001077401.2, NM_001406487.1, NM_001406488.1 and 1 more transcripts); c.730G>C, p.Asp244His (NM_001406490.1, NM_001406491.1, NM_001406492.1 and 2 more transcripts); c.478G>C, p.Asp160His (NM_001406495.1); short protein forms D348H, D244H, D160H.
Identifiers: ClinVar variation 2817915 (VCV002817915.3), dbSNP rs1940813954, ClinGen allele CA384901838.